The following is an entry in ClinVar:

NM_001734.5(C1S):c.2047A>G (p.Ser683Gly)

Gene: C1S (complement C1s; plus strand). Cytogenetic location: 12p13.31.
Variant type: single nucleotide variant.
Coding change: c.2047A>G on transcript NM_001734.5 (MANE Select); coding-DNA position 2047, A replaced by G.
Protein change: p.Ser683Gly; replaces serine 683 with glycine.
Molecular consequence: missense variant.
Genome position (GRCh38, 1-based): chr12:7,070,631, A>G. VCF-style: chr12-7070631-A-G. GRCh37 (hg19) VCF-style: chr12-7177935-A-G.
Other names: c.1546A>G, p.Ser516Gly (NM_001346850.2); c.2047A>G, p.Ser683Gly (NM_201442.4); short protein forms S516G, S683G.
Identifiers: ClinVar variation 1929531 (VCV001929531.5), dbSNP rs1937829307, ClinGen allele CA383709327.

ClinVar aggregate classification (germline): Uncertain significance (1 of 4 stars; one submission).

Allele frequency attached by ClinVar (database versions not stated): TOPMed below 0.00001.

Submission:

Labcorp Genetics (formerly Invitae), Labcorp
Classification: Uncertain significance. Last evaluated: 2022-06-08. Review status: criteria provided, single submitter. Criteria: Invitae Variant Classification Sherloc (09022015). Collection method: clinical testing. Allele origin: germline.
Comment: This sequence change replaces serine, which is neutral and polar, with glycine, which is neutral and non-polar, at codon 683 of the C1S protein (p.Ser683Gly). This variant is not present in population databases (gnomAD no frequency). In summary, the available evidence is currently insufficient to determine the role of this variant in disease. Therefore, it has been classified as a Variant of Uncertain Significance. Algorithms developed to predict the effect of missense changes on protein structure and function output the following: SIFT: "Tolerated"; PolyPhen-2: "Benign"; Align-GVGD: "Class C0". The glycine amino acid residue is found in multiple mammalian species, which suggests that this missense change does not adversely affect protein function. This variant has not been reported in the literature in individuals affected with C1S-related conditions.